The following is an entry in ClinVar:

ClinVar aggregate classification (germline): Conflicting classifications of pathogenicity. Review status: criteria provided, conflicting classifications (1 of 4 stars). 17 submissions from 17 submitters: Uncertain significance (6); Likely benign (6). 5 of the submissions do not count toward it. Last evaluated 2026-01-19.

Conditions:
PPT1-related disorder. Also called: PPT1-related condition.
Inborn genetic diseases. Identifiers: MedGen C0950123, MeSH D030342.
Neuronal ceroid lipofuscinosis 1 (CLN1). Also called: PPT1-Related Neuronal Ceroid-Lipofuscinosis; CEROID LIPOFUSCINOSIS, NEURONAL, 1, VARIABLE AGE AT ONSET. Identifiers: Orphanet 228329, MedGen C1850451, MONDO:0009744, OMIM 256730.
Intellectual disability. Also called: Intellectual developmental disorder; Intellectual functioning disability; intellectual disabilities. Identifiers: MedGen C3714756, MeSH D008607, MONDO:0001071, HP:0001249.

Allele frequency attached by ClinVar (database versions not stated): 1000 Genomes Project 0.00040; 1000 Genomes Project 30x 0.00047; ESP Exome Variant Server 0.00062; TOPMed 0.00084; gnomAD 0.00088 and 0.00091; gnomAD exomes 0.00115; ExAC 0.00131.
gnomAD v4.1: 2,006 of 1,614,160 alleles (0.12%); highest among the groups gnomAD compares: Non-Finnish European, 0.15%; 2 homozygotes.

Submissions (17):

Labcorp Genetics (formerly Invitae), Labcorp
Classification: Likely benign for Neuronal ceroid lipofuscinosis 1. Last evaluated: 2026-01-19. Review status: criteria provided, single submitter. Criteria: Invitae Variant Classification Sherloc (09022015). Collection method: clinical testing. Allele origin: germline.

Mayo Clinic Laboratories, Mayo Clinic
Classification: Likely benign. Last evaluated: 2025-09-09. Review status: criteria provided, single submitter. Criteria: ACMG Guidelines, 2015. Collection method: clinical testing. Allele origin: germline. Observed: 3 variant alleles.
Comment: BS1

PreventionGenetics, part of Exact Sciences
Classification: Likely benign for PPT1-related condition. Last evaluated: 2025-04-17. Review status: criteria provided, single submitter. Criteria: ACMG Guidelines, 2015. Collection method: clinical testing. Allele origin: germline.
Comment: This variant is classified as likely benign based on ACMG/AMP sequence variant interpretation guidelines (Richards et al. 2015 PMID: 25741868, with internal and published modifications).

Blueprint Genetics
Classification: Likely benign. Last evaluated: 2024-10-24. Review status: criteria provided, single submitter. Criteria: ACMG Guidelines, 2015. Collection method: clinical testing. Allele origin: germline.

GeneDx
Classification: Uncertain significance. Last evaluated: 2024-04-03. Review status: criteria provided, single submitter. Criteria: GeneDx Variant Classification Process June 2021. Collection method: clinical testing. Allele origin: germline. Affected: yes.
Comment: In silico analysis supports that this missense variant does not alter protein structure/function; This variant is associated with the following publications: (PMID: 27861786)

Revvity Omics, Revvity
Classification: Uncertain significance for Neuronal ceroid lipofuscinosis 1. Last evaluated: 2023-11-17. Review status: criteria provided, single submitter. Criteria: ACMG Guidelines, 2015. Collection method: clinical testing. Allele origin: germline.

CeGaT Center for Human Genetics Tuebingen
Classification: Likely benign. Last evaluated: 2023-02-01. Review status: criteria provided, single submitter. Criteria: CeGaT Center For Human Genetics Tuebingen Variant Classification Criteria Version 2. Collection method: clinical testing. Allele origin: germline. Affected: yes. Observed: 2 variant alleles.
Comment: PPT1: BS2

Ambry Genetics
Classification: Likely benign for Inborn genetic diseases. Last evaluated: 2018-08-31. Review status: criteria provided, single submitter. Criteria: Ambry Variant Classification Scheme 2023. Collection method: clinical testing. Allele origin: germline.

Illumina Laboratory Services, Illumina
Classification: Uncertain significance for Neuronal ceroid lipofuscinosis 1. Last evaluated: 2018-01-13. Review status: criteria provided, single submitter. Criteria: ICSL Variant Classification Criteria 13 December 2019. Collection method: clinical testing. Allele origin: germline.

Fulgent Genetics
Classification: Uncertain significance for Neuronal ceroid lipofuscinosis 1. Last evaluated: 2017-05-23. Review status: criteria provided, single submitter. Criteria: ACMG Guidelines, 2015. Collection method: clinical testing. Allele origin: unknown.

Center for Pediatric Genomic Medicine, Children's Mercy Hospital and Clinics
Classification: Uncertain significance. Last evaluated: 2016-07-13. Review status: criteria provided, single submitter. Criteria: ACMG Guidelines, 2015. Collection method: clinical testing. Allele origin: germline.
ClinVar note: Converted during submission from Uncertain Significance to Uncertain significance.

Eurofins Ntd Llc (ga)
Classification: Uncertain significance. Last evaluated: 2015-03-10. Review status: criteria provided, single submitter. Criteria: EGL Classification Definitions 2015. Collection method: clinical testing. Allele origin: germline. Observed: 1 variant allele, 1 heterozygote.

Natera, Inc.
Classification: Likely benign for Neuronal ceroid lipofuscinosis 1. Last evaluated: 2019-11-11. Review status: no assertion criteria provided. Collection method: clinical testing. Allele origin: germline. Not counted in ClinVar's aggregate classification.

Centre de Biologie Pathologie Génétique, Centre Hospitalier Universitaire de Lille
Classification: Uncertain significance for Intellectual disability. Last evaluated: 2019-01-01. Review status: no assertion criteria provided. Collection method: clinical testing. Allele origin: unknown. Affected: yes. Not counted in ClinVar's aggregate classification.

Clinical Genetics DNA and cytogenetics Diagnostics Lab, Erasmus MC, Erasmus Medical Center
Classification: Likely benign. Review status: no assertion criteria provided. Collection method: clinical testing. Allele origin: germline. Affected: yes. Study: VKGL Data-share Consensus. Not counted in ClinVar's aggregate classification.

Diagnostic Laboratory, Department of Genetics, University Medical Center Groningen
Classification: Likely benign for Neuronal ceroid lipofuscinosis 1. Review status: no assertion criteria provided. Collection method: clinical testing. Allele origin: germline. Affected: yes. Study: VKGL Data-share Consensus. Not counted in ClinVar's aggregate classification.

Genome Diagnostics Laboratory, University Medical Center Utrecht
Classification: Benign. Review status: no assertion criteria provided. Collection method: clinical testing. Allele origin: germline. Affected: yes. Study: VKGL Data-share Consensus. Not counted in ClinVar's aggregate classification.

NM_000310.4(PPT1):c.904A>G (p.Ile302Val)

Gene: PPT1 (palmitoyl-protein thioesterase 1; minus strand). Cytogenetic location: 1p34.2.
Variant type: single nucleotide variant.
Coding change: c.904A>G on transcript NM_000310.4 (MANE Select); coding-DNA position 904, A replaced by G.
Protein change: p.Ile302Val; replaces isoleucine 302 with valine.
Molecular consequence: missense variant.
Genome position (GRCh38, 1-based): chr1:40,074,078, T>C on the plus strand (A>G on the coding strand, the complement: PPT1 is on the minus strand). VCF-style: chr1-40074078-T-C. GRCh37 (hg19) VCF-style: chr1-40539750-T-C.
Other names: p.I302V:ATA>GTA; c.832A>G, p.Ile278Val (NM_001363695.2); c.595A>G, p.Ile199Val (NM_001142604.2); short protein forms I302V, I278V, I199V.
Identifiers: ClinVar variation 199009 (VCV000199009.77), dbSNP rs146902902, ClinGen allele CA247958.